The following is an entry in ClinVar:

NM_207346.3(TSEN54):c.505C>T (p.Arg169Ter)

Gene: TSEN54 (tRNA splicing endonuclease subunit 54; plus strand). Cytogenetic location: 17q25.1.
Variant type: single nucleotide variant.
Coding change: c.505C>T on transcript NM_207346.3 (MANE Select); coding-DNA position 505, C replaced by T.
Protein change: p.Arg169Ter; replaces arginine 169 with a stop codon.
Molecular consequence: nonsense.
Genome position (GRCh38, 1-based): chr17:75,519,031, C>T. VCF-style: chr17-75519031-C-T. GRCh37 (hg19) VCF-style: chr17-73515112-C-T.
Other names: c.505C>T (NM_207346.2); short protein forms R169*.
Identifiers: ClinVar variation 2850363 (VCV002850363.5), dbSNP rs199962683, ClinGen allele CA8764155.

ClinVar aggregate classification (germline): Pathogenic/Likely pathogenic. Review status: criteria provided, multiple submitters, no conflicts (2 of 4 stars). 3 submissions from 3 submitters: Pathogenic (2); Likely pathogenic (1). Last evaluated 2024-03-27.

Conditions:
Inborn genetic diseases. Identifiers: MedGen C0950123, MeSH D030342.
Pontocerebellar hypoplasia type 4 (PCH4). Also called: Pontocerebellar Hypoplasia Type 4 (PCH4). Identifiers: Orphanet 166063, MedGen C1856974, MONDO:0009166, OMIM 225753.
Pontocerebellar hypoplasia type 2A (PCH2A). Also called: PONTOCEREBELLAR HYPOPLASIA WITH PROGRESSIVE CEREBRAL ATROPHY; VOLENDAM NEURODEGENERATIVE DISEASE. Identifiers: Orphanet 2524, MedGen C1848526, MONDO:0010190, OMIM 277470.
Pontocerebellar hypoplasia type 5 (PCH5). Also called: Pontocerebellar Hypoplasia Type 5 (PCH5). Identifiers: Orphanet 166068, MedGen C1857762, MONDO:0012438, OMIM 610204.

Allele frequency attached by ClinVar (database versions not stated): TOPMed below 0.00001; ExAC 0.00001; gnomAD 0.00001; gnomAD exomes 0.00001; 1000 Genomes Project 30x 0.00016; 1000 Genomes Project 0.00020.
gnomAD v4.1: 21 of 1,613,296 alleles (0.0013%); highest among the groups gnomAD compares: Non-Finnish European, 0.0015%; no homozygotes.

Submissions (3):

Ambry Genetics
Classification: Pathogenic for Inborn genetic diseases. Last evaluated: 2024-03-27. Review status: criteria provided, single submitter. Criteria: Ambry Variant Classification Scheme 2023. Collection method: clinical testing. Allele origin: germline.
Comment: The c.505C>T (p.R169*) alteration, located in exon 6 (coding exon 6) of the TSEN54 gene, consists of a C to T substitution at nucleotide position 505. This changes the amino acid from an arginine (R) to a stop codon at amino acid position 169. This alteration is expected to result in loss of function by premature protein truncation or nonsense-mediated mRNA decay. This allele was reported in one heterozygous individual in population-based cohorts in the Genome Aggregation Database (gnomAD). Based on the available evidence, this alteration is classified as pathogenic.

Fulgent Genetics
Classification: Likely pathogenic for Pontocerebellar hypoplasia type 4; Pontocerebellar hypoplasia type 2A; Pontocerebellar hypoplasia type 5. Last evaluated: 2024-02-24. Review status: criteria provided, single submitter. Criteria: ACMG Guidelines, 2015. Collection method: clinical testing. Allele origin: germline.

Labcorp Genetics (formerly Invitae), Labcorp
Classification: Pathogenic. Last evaluated: 2024-02-11. Review status: criteria provided, single submitter. Criteria: Invitae Variant Classification Sherloc (09022015). Collection method: clinical testing. Allele origin: germline.
Comment: This sequence change creates a premature translational stop signal (p.Arg169*) in the TSEN54 gene. It is expected to result in an absent or disrupted protein product. Loss-of-function variants in TSEN54 are known to be pathogenic (PMID: 18711368, 20952379). This variant is present in population databases (rs199962683, gnomAD 0.007%). This variant has not been reported in the literature in individuals affected with TSEN54-related conditions. For these reasons, this variant has been classified as Pathogenic.

Literature cited by the submitters: PubMed 18711368 (cited by Labcorp Genetics (formerly Invitae), Labcorp); PubMed 20952379 (cited by Labcorp Genetics (formerly Invitae), Labcorp).